The following is an entry in ClinVar:

ClinVar aggregate classification (germline): Uncertain significance (1 of 4 stars; one submission).

Submission:

GeneDx
Classification: Uncertain significance. Last evaluated: 2023-12-17. Review status: criteria provided, single submitter. Criteria: GeneDx Variant Classification Process June 2021. Collection method: clinical testing. Allele origin: germline. Affected: yes.
Comment: Has not been previously published as pathogenic or benign to our knowledge; Not observed at significant frequency in large population cohorts (gnomAD); In silico analysis supports that this missense variant has a deleterious effect on protein structure/function

NM_177559.3(CSNK2A1):c.452G>T (p.Gly151Val)

Gene: CSNK2A1 (casein kinase 2 alpha 1; minus strand). Cytogenetic location: 20p13.
Variant type: single nucleotide variant.
Coding change: c.452G>T on transcript NM_177559.3 (MANE Select); coding-DNA position 452, G replaced by T.
Protein change: p.Gly151Val; replaces glycine 151 with valine.
Molecular consequence: missense variant.
Genome position (GRCh38, 1-based): chr20:495,777, C>A on the plus strand (G>T on the coding strand, the complement: CSNK2A1 is on the minus strand). VCF-style: chr20-495777-C-A. GRCh37 (hg19) VCF-style: chr20-476421-C-A.
Other names: c.452G>T, p.Gly151Val (NM_001362770.2, NM_001362771.2, NM_001895.4); c.44G>T, p.Gly15Val (NM_177560.3); short protein forms G151V, G15V.
Identifiers: ClinVar variation 3369951 (VCV003369951.1).